The following is an entry in ClinVar:

NM_021964.3(ZNF148):c.931T>C (p.Ser311Pro)

Gene: ZNF148 (zinc finger protein 148; minus strand). Cytogenetic location: 3q21.2.
Variant type: single nucleotide variant.
Coding change: c.931T>C on transcript NM_021964.3 (MANE Select); coding-DNA position 931, T replaced by C.
Protein change: p.Ser311Pro; replaces serine 311 with proline.
Molecular consequence: missense variant.
Genome position (GRCh38, 1-based): chr3:125,233,795, A>G on the plus strand (T>C on the coding strand, the complement: ZNF148 is on the minus strand). VCF-style: chr3-125233795-A-G. GRCh37 (hg19) VCF-style: chr3-124952639-A-G.
Other names: c.931T>C, p.Ser311Pro (NM_001348424.1, NM_001348425.2, NM_001348426.2 and 7 more transcripts); c.805T>C, p.Ser269Pro (NM_001348434.2); short protein forms S269P, S311P.
Identifiers: ClinVar variation 3474338 (VCV003474338.3).

ClinVar aggregate classification (germline): Uncertain significance. Review status: criteria provided, multiple submitters, no conflicts (2 of 4 stars). 2 submissions from 2 submitters: Uncertain significance (2). Last evaluated 2025-10-30.

Conditions:
Inborn genetic diseases. Identifiers: MedGen C0950123, MeSH D030342.

gnomAD v4.1: 19 of 1,613,716 alleles (0.0012%); highest among the groups gnomAD compares: Admixed American, 0.015%; no homozygotes.

Submissions (2):

Dasa
Classification: Uncertain significance. Last evaluated: 2025-10-30. Review status: criteria provided, single submitter. Criteria: DASA Assertion Criteria. Collection method: clinical testing. Allele origin: germline.
Comment: NM_021964.3(ZNF148):c.931T>C (p.Ser311Pro) is a missense variant that results in the substitution of serine with proline. This variant is absent from population databases. Computational prediction algorithms are consistent with a benign effect. The currently available literature and clinical evidence are not sufficient to establish a definitive association between this variant and the reported condition. Therefore, this variant is classified as a variant of uncertain significance.

Ambry Genetics
Classification: Uncertain significance for Inborn genetic diseases. Last evaluated: 2024-11-09. Review status: criteria provided, single submitter. Criteria: Ambry Variant Classification Scheme 2023. Collection method: clinical testing. Allele origin: germline.